The following is an entry in ClinVar:

ClinVar aggregate classification (germline): Uncertain significance (1 of 4 stars; one submission).

Submission:

Labcorp Genetics (formerly Invitae), Labcorp
Classification: Uncertain significance. Last evaluated: 2025-10-23. Review status: criteria provided, single submitter. Criteria: Invitae Variant Classification Sherloc (09022015). Collection method: clinical testing. Allele origin: germline.
Comment: This sequence change replaces aspartic acid, which is acidic and polar, with asparagine, which is neutral and polar, at codon 267 of the HYOU1 protein (p.Asp267Asn). This variant is not present in population databases (gnomAD no frequency). This variant has not been reported in the literature in individuals affected with HYOU1-related conditions. An algorithm developed to predict the effect of missense changes on protein structure and function (PolyPhen-2) suggests that this variant is likely to be disruptive. In summary, the available evidence is currently insufficient to determine the role of this variant in disease. Therefore, it has been classified as a Variant of Uncertain Significance.

NM_006389.5(HYOU1):c.799G>A (p.Asp267Asn)

Gene: HYOU1 (hypoxia up-regulated 1; minus strand). Cytogenetic location: 11q23.3.
Variant type: single nucleotide variant.
Coding change: c.799G>A on transcript NM_006389.5 (MANE Select); coding-DNA position 799, G replaced by A.
Protein change: p.Asp267Asn; replaces aspartic acid 267 with asparagine.
Molecular consequence: missense variant.
Genome position (GRCh38, 1-based): chr11:119,052,825, C>T on the plus strand (G>A on the coding strand, the complement: HYOU1 is on the minus strand). VCF-style: chr11-119052825-C-T. GRCh37 (hg19) VCF-style: chr11-118923537-C-T.
Other names: c.799G>A, p.Asp267Asn (NM_001130991.3, NM_001411041.1); short protein forms D267N.
Identifiers: ClinVar variation 4729748 (VCV004729748.1).
Genomic context (GRCh38, chr11:119,052,825, plus strand): 5'-AAAGCCCAGCCAGGCGTTCTCGAAGCCGGAGCTCCATCTCCAGGCCCCCCAGGGTACGGT[C>T]AAATCTGTTGAGAAAAGGGAGCAGGGAAAAAAGTGAAGAACACATGGAGTCCCCGCATCT-3'
Protein context (NP_006380.1, residues 257-277): PQLQIRGVGF[Asp267Asn]RTLGGLEMEL